The following is an entry in ClinVar:

NM_004656.4(BAP1):c.2003C>G (p.Thr668Ser)

Gene: BAP1 (BRCA1 associated deubiquitinase 1; minus strand). Cytogenetic location: 3p21.1.
Variant type: single nucleotide variant.
Coding change: c.2003C>G on transcript NM_004656.4 (MANE Select); coding-DNA position 2003, C replaced by G.
Protein change: p.Thr668Ser; replaces threonine 668 with serine.
Molecular consequence: missense variant.
Genome position (GRCh38, 1-based): chr3:52,402,655, G>C on the plus strand (C>G on the coding strand, the complement: BAP1 is on the minus strand). VCF-style: chr3-52402655-G-C. GRCh37 (hg19) VCF-style: chr3-52436671-G-C.
Other names: short protein forms T668S.
Identifiers: ClinVar variation 834924 (VCV000834924.7), dbSNP rs1705000118, ClinGen allele CA353096330.

ClinVar aggregate classification (germline): Uncertain significance (1 of 4 stars; one submission).

Conditions:
BAP1-related tumor predisposition syndrome (TPDS1). Also called: TUMOR PREDISPOSITION SYNDROME 1; Tumor susceptibility linked to germline BAP1 mutations; BAP1 tumor predisposition syndrome; COMMON Syndrome. Identifiers: Orphanet 289539, MedGen C3280492, MONDO:0013692, OMIM 614327.

Submission:

Labcorp Genetics (formerly Invitae), Labcorp
Classification: Uncertain significance for BAP1-related tumor predisposition syndrome. Last evaluated: 2019-03-07. Review status: criteria provided, single submitter. Criteria: Invitae Variant Classification Sherloc (09022015). Collection method: clinical testing. Allele origin: germline.
Comment: In summary, the available evidence is currently insufficient to determine the role of this variant in disease. Therefore, it has been classified as a Variant of Uncertain Significance. Algorithms developed to predict the effect of missense changes on protein structure and function are either unavailable or do not agree on the potential impact of this missense change (SIFT: "Tolerated"; PolyPhen-2: "Probably Damaging"; Align-GVGD: "Class C0"). This variant has not been reported in the literature in individuals with BAP1-related conditions. This variant is not present in population databases (ExAC no frequency). This sequence change replaces threonine with serine at codon 668 of the BAP1 protein (p.Thr668Ser). The threonine residue is highly conserved and there is a small physicochemical difference between threonine and serine.